The following is an entry in ClinVar:

NM_017415.3(KLHL3):c.*3128C>G

Gene: KLHL3 (kelch like family member 3; minus strand). Cytogenetic location: 5q31.2.
Variant type: single nucleotide variant.
Coding change: c.*3128C>G on transcript NM_017415.3 (MANE Select); 3128 bases downstream of the stop codon, C replaced by G.
Molecular consequence: 3 prime UTR variant.
Genome position (GRCh38, 1-based): chr5:137,618,970, G>C on the plus strand (C>G on the coding strand, the complement: KLHL3 is on the minus strand). VCF-style: chr5-137618970-G-C. GRCh37 (hg19) VCF-style: chr5-136954659-G-C.
Other names: c.*3128C>G (NM_001257194.1, NM_001257195.2).
Identifiers: ClinVar variation 350941 (VCV000350941.6), dbSNP rs147801381, ClinGen allele CA10622664.
Genomic context (GRCh38, chr5:137,618,970, plus strand): 5'-GCTCATCTACCTGGAGCTACTGAAAAATATGTTTCTGAAGGGTGAGAAACAAAAGGAAGA[G>C]AGCTACAGGCATGAACTACGTTTGAGAGTGAATGATGCAAAGAACACAACATTTCATTAT-3'

ClinVar aggregate classification (germline): Benign (1 of 4 stars; one submission).

Conditions:
Pseudohypoaldosteronism type 2D (PHA2D). Also called: FAMILIAL HYPERKALEMIC HYPERTENSION; PSEUDOHYPOALDOSTERONISM, TYPE IID, AUTOSOMAL DOMINANT OR RECESSIVE; Pseudohypoaldosteronism Type IID. Identifiers: Orphanet 300525, Orphanet 757, MedGen C3469605, MONDO:0013781, OMIM 614495.

Allele frequency attached by ClinVar (database versions not stated): 1000 Genomes Project 0.00080; 1000 Genomes Project 30x 0.00141; gnomAD 0.00151 and 0.00197; TOPMed 0.00231.

Submission:

Illumina Laboratory Services, Illumina
Classification: Benign for Pseudohypoaldosteronism type 2D. Last evaluated: 2018-01-12. Review status: criteria provided, single submitter. Criteria: ICSL Variant Classification Criteria 13 December 2019. Collection method: clinical testing. Allele origin: germline.
Comment: This variant was observed in the ICSL laboratory as part of a predisposition screen in an ostensibly healthy population. It had not been previously curated by ICSL or reported in the Human Gene Mutation Database (HGMD: prior to June 1st, 2018), and was therefore a candidate for classification through an automated scoring system. Utilizing variant allele frequency, disease prevalence and penetrance estimates, and inheritance mode, an automated score was calculated to assess if this variant is too frequent to cause the disease. Based on the score and internal cut-off values, a variant classified as benign is not then subjected to further curation. The score for this variant resulted in a classification of benign for this disease.